The following is an entry in ClinVar:

ClinVar aggregate classification (germline): Uncertain significance (1 of 4 stars; one submission).

Conditions:
BAP1-related tumor predisposition syndrome (TPDS1). Also called: BAP1 tumor predisposition syndrome; COMMON Syndrome; TUMOR PREDISPOSITION SYNDROME 1; Tumor susceptibility linked to germline BAP1 mutations. Identifiers: Orphanet 289539, MedGen C3280492, MONDO:0013692, OMIM 614327.

Submission:

Labcorp Genetics (formerly Invitae), Labcorp
Classification: Uncertain significance for BAP1-related tumor predisposition syndrome. Last evaluated: 2021-09-04. Review status: criteria provided, single submitter. Criteria: Invitae Variant Classification Sherloc (09022015). Collection method: clinical testing. Allele origin: germline.
Comment: This sequence change replaces glycine with aspartic acid at codon 4 of the BAP1 protein (p.Gly4Asp). The glycine residue is highly conserved and there is a moderate physicochemical difference between glycine and aspartic acid. This variant is not present in population databases (ExAC no frequency). This variant has not been reported in the literature in individuals affected with BAP1-related conditions. Algorithms developed to predict the effect of missense changes on protein structure and function are either unavailable or do not agree on the potential impact of this missense change (SIFT: "Deleterious"; PolyPhen-2: "Probably Damaging"; Align-GVGD: "Class C0"). In summary, the available evidence is currently insufficient to determine the role of this variant in disease. Therefore, it has been classified as a Variant of Uncertain Significance.

NM_004656.4(BAP1):c.11G>A (p.Gly4Asp)

Gene: BAP1 (BRCA1 associated deubiquitinase 1; minus strand). Cytogenetic location: 3p21.1.
Variant type: single nucleotide variant.
Coding change: c.11G>A on transcript NM_004656.4 (MANE Select); coding-DNA position 11, G replaced by A.
Protein change: p.Gly4Asp; replaces glycine 4 with aspartic acid.
Molecular consequence: missense variant.
Genome position (GRCh38, 1-based): chr3:52,409,868, C>T on the plus strand (G>A on the coding strand, the complement: BAP1 is on the minus strand). VCF-style: chr3-52409868-C-T. GRCh37 (hg19) VCF-style: chr3-52443884-C-T.
Other names: short protein forms G4D.
Identifiers: ClinVar variation 1379555 (VCV001379555.6), dbSNP rs1652700058, ClinGen allele CA353115148.